The following is an entry in ClinVar:

ClinVar aggregate classification (germline): Uncertain significance. Review status: criteria provided, multiple submitters, no conflicts (2 of 4 stars). 3 submissions from 3 submitters: Uncertain significance (3). Last evaluated 2025-08-01.

Conditions:
Hereditary cancer-predisposing syndrome. Also called: Hereditary Cancer Syndrome; Hereditary neoplastic syndrome; Neoplastic Syndromes, Hereditary; Tumor predisposition. Identifiers: Orphanet 140162, MedGen C0027672, MeSH D009386, MONDO:0015356.
Gastrointestinal stromal tumor. Also called: Gastrointestinal stromal tumor, somatic; Gastrointestinal stroma tumor. Identifiers: Orphanet 44890, MedGen C0238198, MeSH D046152, MONDO:0011719, OMIM 606764, HP:0100723.

Allele frequency attached by ClinVar (database versions not stated): gnomAD exomes below 0.00001; ExAC 0.00001.
gnomAD v4.1: 3 of 1,614,150 alleles (0.00019%); highest among the groups gnomAD compares: Non-Finnish European, 0.00025%; no homozygotes.

Submissions (3):

Ambry Genetics
Classification: Uncertain significance for Hereditary cancer-predisposing syndrome. Last evaluated: 2025-08-01. Review status: criteria provided, single submitter. Criteria: Ambry Variant Classification Scheme 2023. Collection method: clinical testing. Allele origin: germline.
Comment: The p.A533V variant (also known as c.1598C>T), located in coding exon 10 of the KIT gene, results from a C to T substitution at nucleotide position 1598. The alanine at codon 533 is replaced by valine, an amino acid with similar properties. This amino acid position is conserved. In addition, the in silico prediction for this alteration is inconclusive. Based on the available evidence, the clinical significance of this variant remains unclear.

Labcorp Genetics (formerly Invitae), Labcorp
Classification: Uncertain significance for Gastrointestinal stromal tumor. Last evaluated: 2025-03-09. Review status: criteria provided, single submitter. Criteria: Invitae Variant Classification Sherloc (09022015). Collection method: clinical testing. Allele origin: germline.
Comment: This sequence change replaces alanine, which is neutral and non-polar, with valine, which is neutral and non-polar, at codon 533 of the KIT protein (p.Ala533Val). This variant is present in population databases (rs753212327, gnomAD 0.0009%). This variant has not been reported in the literature in individuals affected with KIT-related conditions. ClinVar contains an entry for this variant (Variation ID: 2576768). An algorithm developed to predict the effect of missense changes on protein structure and function (PolyPhen-2) suggests that this variant is likely to be disruptive. In summary, the available evidence is currently insufficient to determine the role of this variant in disease. Therefore, it has been classified as a Variant of Uncertain Significance.

GeneDx
Classification: Uncertain significance. Last evaluated: 2023-02-21. Review status: criteria provided, single submitter. Criteria: GeneDx Variant Classification Process June 2021. Collection method: clinical testing. Allele origin: germline. Affected: yes.
Comment: Not observed at significant frequency in large population cohorts (gnomAD); In silico analysis supports that this missense variant does not alter protein structure/function; Has not been previously published as pathogenic or benign to our knowledge

NM_000222.3(KIT):c.1598C>T (p.Ala533Val)

Gene: KIT (KIT proto-oncogene, receptor tyrosine kinase; plus strand). Cytogenetic location: 4q12.
Variant type: single nucleotide variant.
Coding change: c.1598C>T on transcript NM_000222.3 (MANE Select); coding-DNA position 1598, C replaced by T.
Protein change: p.Ala533Val; replaces alanine 533 with valine.
Molecular consequence: missense variant.
Genome position (GRCh38, 1-based): chr4:54,727,275, C>T. VCF-style: chr4-54727275-C-T. GRCh37 (hg19) VCF-style: chr4-55593441-C-T.
Other names: c.1586C>T, p.Ala529Val (NM_001093772.2, NM_001385286.1); c.1601C>T, p.Ala534Val (NM_001385284.1, NM_001385290.1); c.1598C>T, p.Ala533Val (NM_001385285.1); c.1589C>T, p.Ala530Val (NM_001385288.1, NM_001385292.1); short protein forms A529V, A530V, A533V, A534V.
Identifiers: ClinVar variation 2576768 (VCV002576768.3), dbSNP rs753212327, ClinGen allele CA2923529.